The following is an entry in ClinVar:

ClinVar aggregate classification (germline): not provided (0 of 4 stars; one submission).

Submission:

Laboratory for Molecular Medicine, Mass General Brigham Personalized Medicine
No classification provided. Last evaluated: 2015-07-16. Review status: no classification provided. Collection method: clinical testing. Allele origin: germline. Observed: 1 variant allele.
Comment: Variant is equivalent to c.512-19_512-18del, which is out of ROI.

NM_001384474.1(LOXHD1):c.512-19TC[3]

Gene: LOXHD1 (lipoxygenase homology PLAT domains 1; minus strand). Cytogenetic location: 18q21.1.
Variant type: Microsatellite.
Coding change: c.512-19TC[3] on transcript NM_001384474.1 (MANE Select); three copies in a row of the 2-base unit TC starting at c.512-19; the reference has four copies in a row; one copy, 2 bases deleted.
Molecular consequence: intron variant.
Genome position (GRCh38, 1-based): chr18:46,618,302-46,618,303, GA deleted on the plus strand (TC on the coding strand, the reverse complement: LOXHD1 is on the minus strand); deleting any 2 consecutive bases within chr18:46,618,302-46,618,309 gives the same sequence; the position shown is the placement nearest the transcript's 3' end. VCF-style (leftmost placement, unchanged base first): chr18-46618301-GGA-G. GRCh37 (hg19) VCF-style: chr18-44198264-GGA-G.
Other names: c.512-13_512-12delTC (NM_144612.6); c.512-19TC[3] (NM_144612.7).
Identifiers: ClinVar variation 228315 (VCV000228315.4), dbSNP rs876657676, ClinGen allele CA10577088.